The following is an entry in ClinVar:

NM_182961.4(SYNE1):c.9325G>C (p.Glu3109Gln)

Gene: SYNE1 (spectrin repeat containing nuclear envelope protein 1; minus strand). Cytogenetic location: 6q25.2.
Variant type: single nucleotide variant.
Coding change: c.9325G>C on transcript NM_182961.4 (MANE Select); coding-DNA position 9325, G replaced by C.
Protein change: p.Glu3109Gln; replaces glutamic acid 3109 with glutamine.
Molecular consequence: missense variant.
Genome position (GRCh38, 1-based): chr6:152,373,219, C>G on the plus strand (G>C on the coding strand, the complement: SYNE1 is on the minus strand). VCF-style: chr6-152373219-C-G. GRCh37 (hg19) VCF-style: chr6-152694354-C-G.
Other names: c.9346G>C, p.Glu3116Gln (NM_033071.5); short protein forms E3109Q, E3116Q.
Identifiers: ClinVar variation 450283 (VCV000450283.2), dbSNP rs776421373, ClinGen allele CA4057347.
Genomic context (GRCh38, chr6:152,373,219, plus strand): 5'-CCCCTTTAGACAGCATCATGTTTAGCTTGTGCTGTCCATTTTCACTTTCTGACAAAAACT[C>G]CTATAAAAGAAAATATAGAATTAGCCATAATGAAAATATTGTGTGTTGTTTCTATTTTTT-3'
Protein context (NP_892006.3, residues 3099-3119): EVSTSLQKIQ[Glu3109Gln]FLSESENGQH

ClinVar aggregate classification (germline): Uncertain significance (1 of 4 stars; one submission).

Allele frequency attached by ClinVar (database versions not stated): ExAC 0.00002; gnomAD exomes 0.00001.
gnomAD v4.1: 13 of 1,609,192 alleles (0.00081%); highest among the groups gnomAD compares: South Asian, 0.014%; no homozygotes.

Submission:

GeneDx
Classification: Uncertain significance. Last evaluated: 2017-07-07. Review status: criteria provided, single submitter. Criteria: GeneDx Variant Classification (06012015). Collection method: clinical testing. Allele origin: germline. Affected: yes.
Comment: A variant of uncertain significance has been identified in the SYNE1 gene. The c.9346 G>C variant has not been published as a pathogenic variant, nor has it been reported as a benign variant to our knowledge. The c.9346 G>C variant is not observed at a significant frequency in large population cohorts (Lek et al., 2016; 1000 Genomes Consortium et al., 2015; Exome Variant Server). Several in-silico splice prediction models are inconsistent in their assessment as to whether or not the variant is damaging. In the absence of RNA/functional studies, the actual effect of this sequence change in this individual is unknown. If c.9346 G>C does not alter splicing, it will result in the E3116Q missense change. The E3116Q variant is a semi-conservative amino acid substitution, which may impact secondary protein structure as these residues differ in some properties. This substitution occurs at a position that is conserved across species. However, in silico analysis is inconsistent in its predictions as to whether or not the variant is damaging to the protein structure/function. Therefore, based on the currently available information, it is unclear whether this variant is a pathogenic variant or a rare benign variant.